The following is an entry in ClinVar:

NM_033026.6(PCLO):c.10303C>T (p.Arg3435Ter)

Gene: PCLO (piccolo presynaptic cytomatrix protein; minus strand). Cytogenetic location: 7q21.11.
Variant type: single nucleotide variant.
Coding change: c.10303C>T on transcript NM_033026.6 (MANE Select); coding-DNA position 10303, C replaced by T.
Protein change: p.Arg3435Ter; replaces arginine 3435 with a stop codon.
Molecular consequence: nonsense.
Genome position (GRCh38, 1-based): chr7:82,950,285, G>A on the plus strand (C>T on the coding strand, the complement: PCLO is on the minus strand). VCF-style: chr7-82950285-G-A. GRCh37 (hg19) VCF-style: chr7-82579601-G-A.
Other names: c.10303C>T, p.Arg3435Ter (NM_014510.3); short protein forms R3435*.
Identifiers: ClinVar variation 1402479 (VCV001402479.6), dbSNP rs2116420330, ClinGen allele CA367904509.

ClinVar aggregate classification (germline): Pathogenic (1 of 4 stars; one submission).

Submission:

Labcorp Genetics (formerly Invitae), Labcorp
Classification: Pathogenic. Last evaluated: 2021-07-08. Review status: criteria provided, single submitter. Criteria: Invitae Variant Classification Sherloc (09022015). Collection method: clinical testing. Allele origin: germline.
Comment: For these reasons, this variant has been classified as Pathogenic. This variant has not been reported in the literature in individuals affected with PCLO-related conditions. This variant is not present in population databases (ExAC no frequency). This sequence change creates a premature translational stop signal (p.Arg3435*) in the PCLO gene. It is expected to result in an absent or disrupted protein product. Loss-of-function variants in PCLO are known to be pathogenic (PMID: 25832664, 30287594).

Literature cited by the submitters: PubMed 25832664; PubMed 30287594.